The following is an entry in ClinVar:

NM_173560.4(RFX6):c.1562T>G (p.Phe521Cys)

Gene: RFX6 (regulatory factor X6; plus strand). Cytogenetic location: 6q22.1.
Variant type: single nucleotide variant.
Coding change: c.1562T>G on transcript NM_173560.4 (MANE Select); coding-DNA position 1562, T replaced by G.
Protein change: p.Phe521Cys; replaces phenylalanine 521 with cysteine.
Molecular consequence: missense variant.
Genome position (GRCh38, 1-based): chr6:116,924,675, T>G. VCF-style: chr6-116924675-T-G. GRCh37 (hg19) VCF-style: chr6-117245838-T-G.
Other names: short protein forms F521C.
Identifiers: ClinVar variation 1462256 (VCV001462256.6), dbSNP rs917111340, ClinGen allele CA145972452.

ClinVar aggregate classification (germline): Uncertain significance (1 of 4 stars; one submission).

Allele frequency attached by ClinVar (database versions not stated): gnomAD exomes below 0.00001.
gnomAD v4.1: 2 of 1,610,922 alleles (0.00012%); highest among the groups gnomAD compares: South Asian, 0.0011%; no homozygotes.

Submission:

Labcorp Genetics (formerly Invitae), Labcorp
Classification: Uncertain significance. Last evaluated: 2021-12-30. Review status: criteria provided, single submitter. Criteria: Invitae Variant Classification Sherloc (09022015). Collection method: clinical testing. Allele origin: germline.
Comment: Algorithms developed to predict the effect of missense changes on protein structure and function (SIFT, PolyPhen-2, Align-GVGD) all suggest that this variant is likely to be disruptive. This sequence change replaces phenylalanine, which is neutral and non-polar, with cysteine, which is neutral and slightly polar, at codon 521 of the RFX6 protein (p.Phe521Cys). This variant is not present in population databases (gnomAD no frequency). This variant has not been reported in the literature in individuals affected with RFX6-related conditions. In summary, the available evidence is currently insufficient to determine the role of this variant in disease. Therefore, it has been classified as a Variant of Uncertain Significance.